The following is an entry in ClinVar:

NM_001060.6(TBXA2R):c.370GCC[1] (p.Ala125del)

Gene: TBXA2R (thromboxane A2 receptor; minus strand). Cytogenetic location: 19p13.3.
Variant type: Microsatellite.
Coding change: c.370GCC[1] on transcript NM_001060.6 (MANE Select); one copy of the 3-base unit GCC starting at c.370; the reference has two copies in a row; one copy, 3 bases deleted.
Protein change: p.Ala125del; deletes alanine 125.
Molecular consequence: inframe deletion.
Genome position (GRCh38, 1-based): chr19:3,600,260-3,600,262, GGC deleted on the plus strand (GCC on the coding strand, the reverse complement: TBXA2R is on the minus strand); deleting any 3 consecutive bases within chr19:3,600,260-3,600,265 gives the same sequence; the position shown is the placement nearest the transcript's 3' end. VCF-style (leftmost placement, unchanged base first): chr19-3600259-TGGC-T. GRCh37 (hg19) VCF-style: chr19-3600257-TGGC-T.
Other names: c.370GCC[1], p.Ala125del (NM_201636.3); short protein forms A125del.
Identifiers: ClinVar variation 2634023 (VCV002634023.1), dbSNP rs770264432, ClinGen allele CA9080866.
Genomic context (GRCh38, chr19:3,600,259, plus strand): 5'-GCGAGGCGACCGCCGGGCGCGAGAAGGGCCGGGTGATACCCAGGTAGCGCTCTGAGGCCA[TGGC>T]GGCCCCCAGCAGCAGCGGGGACAGGCCGAAGAAGATCATGACGACGCCCATGAAGCGACA-3'

ClinVar aggregate classification (germline): Uncertain significance (1 of 4 stars; one submission).

Conditions:
TBXA2R-related disorder. Also called: TBXA2R-related condition.

Submission:

PreventionGenetics, part of Exact Sciences
Classification: Uncertain significance for TBXA2R-related condition. Last evaluated: 2023-09-30. Review status: criteria provided, single submitter. Criteria: ACMG Guidelines, 2015. Collection method: clinical testing. Allele origin: germline.
Comment: The TBXA2R c.373_375delGCC variant is predicted to result in an in-frame deletion (p.Ala125del). To our knowledge, this variant has not been reported in the literature. This variant is reported in 0.0024% of alleles in individuals of European (Non-Finnish) descent in gnomAD. At this time, the clinical significance of this variant is uncertain due to the absence of conclusive functional and genetic evidence.